The following is an entry in ClinVar:

NM_003105.6(SORL1):c.4322A>G (p.Tyr1441Cys)

Gene: SORL1 (sortilin related receptor 1; plus strand). Cytogenetic location: 11q24.1.
Variant type: single nucleotide variant.
Coding change: c.4322A>G on transcript NM_003105.6 (MANE Select); coding-DNA position 4322, A replaced by G.
Protein change: p.Tyr1441Cys; replaces tyrosine 1441 with cysteine.
Molecular consequence: missense variant.
Genome position (GRCh38, 1-based): chr11:121,591,109, A>G. VCF-style: chr11-121591109-A-G. GRCh37 (hg19) VCF-style: chr11-121461818-A-G.
Other names: short protein forms Y1441C.
Identifiers: ClinVar variation 1492210 (VCV001492210.6), dbSNP rs2134901013, ClinGen allele CA383033393.

ClinVar aggregate classification (germline): Uncertain significance (1 of 4 stars; one submission).

Allele frequency attached by ClinVar (database versions not stated): gnomAD exomes below 0.00001.
gnomAD v4.1: 4 of 1,614,194 alleles (0.00025%); highest among the groups gnomAD compares: Non-Finnish European, 0.00025%; no homozygotes.

Submission:

Labcorp Genetics (formerly Invitae), Labcorp
Classification: Uncertain significance. Last evaluated: 2021-08-19. Review status: criteria provided, single submitter. Criteria: Invitae Variant Classification Sherloc (09022015). Collection method: clinical testing. Allele origin: germline.
Comment: This sequence change replaces tyrosine with cysteine at codon 1441 of the SORL1 protein (p.Tyr1441Cys). The tyrosine residue is highly conserved and there is a large physicochemical difference between tyrosine and cysteine. This variant is not present in population databases (ExAC no frequency). In summary, the available evidence is currently insufficient to determine the role of this variant in disease. Therefore, it has been classified as a Variant of Uncertain Significance. Algorithms developed to predict the effect of missense changes on protein structure and function (SIFT, PolyPhen-2, Align-GVGD) all suggest that this variant is likely to be disruptive. This variant has not been reported in the literature in individuals affected with SORL1-related conditions.